The following is an entry in ClinVar:

ClinVar aggregate classification (germline): Uncertain significance. Review status: criteria provided, multiple submitters, no conflicts (2 of 4 stars). 5 submissions from 5 submitters: Uncertain significance (5). Last evaluated 2025-07-31.

Conditions:
Hereditary nonpolyposis colorectal neoplasms. Identifiers: MedGen C0009405, MeSH D003123.
Hereditary cancer-predisposing syndrome. Also called: Hereditary Cancer Syndrome; Hereditary neoplastic syndrome; Neoplastic Syndromes, Hereditary; Tumor predisposition. Identifiers: Orphanet 140162, MedGen C0027672, MeSH D009386, MONDO:0015356.
Lynch syndrome. Identifiers: Orphanet 144, MedGen C4552100, MONDO:0005835. Disease mechanism: loss of function.
Endometrial carcinoma. Also called: Endometrial carcinoma, somatic. Identifiers: MedGen C0476089, MONDO:0002447, OMIM 608089, HP:0012114.

Allele frequency attached by ClinVar (database versions not stated): gnomAD exomes below 0.00001.

Submissions (5):

Labcorp Genetics (formerly Invitae), Labcorp
Classification: Uncertain significance for Hereditary nonpolyposis colorectal neoplasms. Last evaluated: 2025-07-31. Review status: criteria provided, single submitter. Criteria: Invitae Variant Classification Sherloc (09022015). Collection method: clinical testing. Allele origin: germline.
Comment: This sequence change replaces arginine, which is basic and polar, with glycine, which is neutral and non-polar, at codon 507 of the MSH6 protein (p.Arg507Gly). This variant is not present in population databases (gnomAD no frequency). This variant has not been reported in the literature in individuals affected with MSH6-related conditions. ClinVar contains an entry for this variant (Variation ID: 455143). Invitae Evidence Modeling of protein sequence and biophysical properties (such as structural, functional, and spatial information, amino acid conservation, physicochemical variation, residue mobility, and thermodynamic stability) indicates that this missense variant is not expected to disrupt MSH6 protein function with a negative predictive value of 95%. In summary, the available evidence is currently insufficient to determine the role of this variant in disease. Therefore, it has been classified as a Variant of Uncertain Significance.

Ambry Genetics
Classification: Uncertain significance for Hereditary cancer-predisposing syndrome. Last evaluated: 2025-03-18. Review status: criteria provided, single submitter. Criteria: Ambry Variant Classification Scheme 2023. Collection method: clinical testing. Allele origin: germline.
Comment: The p.R507G variant (also known as c.1519A>G), located in coding exon 4 of the MSH6 gene, results from an A to G substitution at nucleotide position 1519. The arginine at codon 507 is replaced by glycine, an amino acid with dissimilar properties. This amino acid position is not well conserved in available vertebrate species. In addition, the in silico prediction for this alteration is inconclusive. Since supporting evidence is limited at this time, the clinical significance of this alteration remains unclear.

Color Diagnostics, LLC DBA Color Health
Classification: Uncertain significance for Hereditary cancer-predisposing syndrome. Last evaluated: 2024-03-06. Review status: criteria provided, single submitter. Criteria: ACMG Guidelines, 2015. Collection method: clinical testing. Allele origin: germline.
Comment: This missense variant replaces arginine with glycine at codon 507 of the MSH6 protein. Computational prediction is inconclusive regarding the impact of this variant on protein structure and function (internally defined REVEL score threshold 0.5 < inconclusive < 0.7, PMID: 27666373). To our knowledge, functional studies have not been reported for this variant. This variant has not been reported in individuals affected with MSH6-related disorders in the literature. This variant has not been identified in the general population by the Genome Aggregation Database (gnomAD). The available evidence is insufficient to determine the role of this variant in disease conclusively. Therefore, this variant is classified as a Variant of Uncertain Significance.

Baylor Genetics
Classification: Uncertain significance for Endometrial carcinoma. Last evaluated: 2023-08-30. Review status: criteria provided, single submitter. Criteria: ACMG Guidelines, 2015. Collection method: clinical testing. Allele origin: unknown.

All of Us Research Program, National Institutes of Health
Classification: Uncertain significance for Lynch syndrome. Last evaluated: 2023-05-04. Review status: criteria provided, single submitter. Criteria: ACMG Guidelines, 2015. Collection method: clinical testing. Allele origin: germline. Inheritance: Autosomal dominant inheritance. Observed: 2 variant alleles, 2 heterozygotes.
Comment: This missense variant replaces arginine with glycine at codon 507 of the MSH6 protein. Computational prediction is inconclusive regarding the impact of this variant on protein structure and function (internally defined REVEL score threshold 0.5 < inconclusive < 0.7, PMID: 27666373). To our knowledge, functional studies have not been reported for this variant. This variant has not been reported in individuals affected with MSH6-related disorders in the literature. This variant has not been identified in the general population by the Genome Aggregation Database (gnomAD). The available evidence is insufficient to determine the role of this variant in disease conclusively. Therefore, this variant is classified as a Variant of Uncertain Significance.

This study involves interpretation of variants in research participants for the purpose of population health screening. Participant phenotype was not available at the time of variant classification. Additional details can be found in publication PMID: 35346344, PMCID: PMC8962531

NM_000179.3(MSH6):c.1519A>G (p.Arg507Gly)

Gene: MSH6 (mutS homolog 6; plus strand). Cytogenetic location: 2p16.3.
Variant type: single nucleotide variant.
Coding change: c.1519A>G on transcript NM_000179.3 (MANE Select); coding-DNA position 1519, A replaced by G.
Protein change: p.Arg507Gly; replaces arginine 507 with glycine.
Molecular consequence: missense variant.
Genome position (GRCh38, 1-based): chr2:47,799,502, A>G. VCF-style: chr2-47799502-A-G. GRCh37 (hg19) VCF-style: chr2-48026641-A-G.
Other names: c.1129A>G, p.Arg377Gly (NM_001281492.2); c.613A>G, p.Arg205Gly (NM_001281493.2, NM_001281494.2); short protein forms R507G, R205G, R377G.
Identifiers: ClinVar variation 455143 (VCV000455143.23), dbSNP rs1553412915, ClinGen allele CA346746363.